The following is an entry in ClinVar:

ClinVar aggregate classification (germline): Uncertain significance (1 of 4 stars; one submission).

Conditions:
Hypermethioninemia with deficiency of S-adenosylhomocysteine hydrolase. Identifiers: Orphanet 88618, MedGen C3151058, MONDO:0013404, OMIM 613752.

gnomAD v4.1: 103 of 1,614,044 alleles (0.0064%); highest among the groups gnomAD compares: Non-Finnish European, 0.0082%; no homozygotes.

Submission:

ARUP Laboratories, Molecular Genetics and Genomics, ARUP Laboratories
Classification: Uncertain significance for Hypermethioninemia with deficiency of S-adenosylhomocysteine hydrolase. Last evaluated: 2025-02-18. Review status: criteria provided, single submitter. Criteria: ARUP Molecular Germline Variant Investigation Process 2024. Collection method: clinical testing. Allele origin: germline.
Comment: The AHCY c.452G>A; p.Arg151Gln variant (rs199872975), to our knowledge, is not reported in the medical literature or gene specific databases. This variant is found in the general population with an overall allele frequency of 0.003% (8/282842 alleles) in the Genome Aggregation Database (v2.1.1). Computational analyses are uncertain whether this variant is neutral or deleterious (REVEL: 0.307). Due to limited information, the clinical significance of this variant is uncertain at this time.

NM_000687.4(AHCY):c.452G>A (p.Arg151Gln)

Gene: AHCY (adenosylhomocysteinase; minus strand). Cytogenetic location: 20q11.22.
Variant type: single nucleotide variant.
Coding change: c.452G>A on transcript NM_000687.4 (MANE Select); coding-DNA position 452, G replaced by A.
Protein change: p.Arg151Gln; replaces arginine 151 with glutamine.
Molecular consequence: missense variant.
Genome position (GRCh38, 1-based): chr20:34,291,525, C>T on the plus strand (G>A on the coding strand, the complement: AHCY is on the minus strand). VCF-style: chr20-34291525-C-T. GRCh37 (hg19) VCF-style: chr20-32879331-C-T.
Other names: c.368G>A, p.Arg123Gln (NM_001161766.2, NM_001322084.2, NM_001322085.2); c.458G>A, p.Arg153Gln (NM_001322086.2); c.452G>A, p.Arg151Gln (NM_001362750.2); short protein forms R123Q, R151Q, R153Q.
Identifiers: ClinVar variation 4685623 (VCV004685623.1).